The following is an entry in ClinVar:

ClinVar aggregate classification (germline): Uncertain significance (1 of 4 stars; one submission).

gnomAD v4.1: 11 of 1,603,178 alleles (0.00069%); highest among the groups gnomAD compares: East Asian, 0.0022%; no homozygotes.

Submission:

Dasa
Classification: Uncertain significance. Last evaluated: 2026-07-01. Review status: criteria provided, single submitter. Criteria: DASA Assertion Criteria. Collection method: clinical testing. Allele origin: germline.
Comment: NM_015267.4(CUX2):c.3401G>A (p.Arg1134His) is a missense variant that results in the substitution of arginine with histidine. This variant is rare in population databases. The currently available literature and clinical evidence are not sufficient to establish a definitive association between this variant and the reported condition. Therefore, this variant is classified as a variant of uncertain significance.

NM_015267.4(CUX2):c.3401G>A (p.Arg1134His)

Gene: CUX2 (cut like homeobox 2; plus strand). Cytogenetic location: 12q24.12.
Variant type: single nucleotide variant.
Coding change: c.3401G>A on transcript NM_015267.4 (MANE Select); coding-DNA position 3401, G replaced by A.
Protein change: p.Arg1134His; replaces arginine 1134 with histidine.
Molecular consequence: missense variant.
Genome position (GRCh38, 1-based): chr12:111,341,795, G>A. VCF-style: chr12-111341795-G-A. GRCh37 (hg19) VCF-style: chr12-111779599-G-A.
Other names: c.3215G>A, p.Arg1072His (NM_001370598.1); short protein forms R1072H, R1134H.
Identifiers: ClinVar variation 5020276 (VCV005020276.1).
Genomic context (GRCh38, chr12:111,341,795, plus strand): 5'-GATGGGGACACCACCTCTCAGCCCTCCCTCTCTTCCTGGCCCCAGCCTACCTGAAACGTC[G>A]CTATGGCCTCATCAGCACCGGCTCAGACAGTGAGTCCCCGGCCACCCGCTCAGAGTGCCC-3'
Protein context (NP_056082.2, residues 1124-1144): KLEKKAYLKR[Arg1134His]YGLISTGSDS